The following is an entry in ClinVar:

NC_000009.11:g.(?_135771622)_(135820530_?)del

Gene: TSC1 (TSC complex subunit 1; minus strand). Cytogenetic location: 9q34.13.
Variant type: Deletion.
Identifiers: ClinVar variation 1075215 (VCV001075215.2).

ClinVar aggregate classification (germline): Pathogenic (1 of 4 stars; one submission).

Conditions:
Tuberous sclerosis 1 (TSC1). Identifiers: Orphanet 805, MedGen C1854465, MONDO:0008612, OMIM 191100.

Submission:

Labcorp Genetics (formerly Invitae), Labcorp
Classification: Pathogenic for Tuberous sclerosis 1. Last evaluated: 2022-09-27. Review status: criteria provided, single submitter. Criteria: Invitae Variant Classification Sherloc (09022015). Collection method: clinical testing. Allele origin: germline.
Comment: A gross deletion of the genomic region encompassing the full coding sequence of the TSC1 gene has been identified. Loss-of-function variants in TSC1 are known to be pathogenic (PMID: 10227394, 17304050). The boundaries of this event are unknown as they extend beyond the assayed region for this gene and therefore may encompass additional genes. A similar copy number variant has been observed in individual(s) with tuberous sclerosis (PMID: 17287951, 20877415). In at least one individual the variant was observed to be de novo. For these reasons, this variant has been classified as Pathogenic.

Literature cited by the submitters: PubMed 10227394; PubMed 17304050; PubMed 17287951; PubMed 20877415.